The following is an entry in ClinVar:

ClinVar aggregate classification (germline): Benign/Likely benign. Review status: criteria provided, multiple submitters, no conflicts (2 of 4 stars). 17 submissions from 17 submitters: Benign (5); Likely benign (7). 5 of the submissions do not count toward it. Last evaluated 2026-09-01.

Conditions:
Nephronophthisis. Also called: Juvenile Nephronophthisis. Identifiers: Orphanet 655, MedGen C0687120, MONDO:0019005, HP:0000090.
Curry-Hall syndrome (WAD). Also called: WEYERS ACRODENTAL DYSOSTOSIS. Identifiers: Orphanet 952, MedGen C0457013, MONDO:0008673, OMIM 193530.
Ellis-van Creveld syndrome (EVC). Also called: MESOECTODERMAL DYSPLASIA; Chondroectodermal dysplasia. Identifiers: Orphanet 289, MedGen C0013903, MONDO:0009162, OMIM 225500.

Allele frequency attached by ClinVar (database versions not stated): 1000 Genomes Project 0.00180; 1000 Genomes Project 30x 0.00281; TOPMed 0.00454; ESP Exome Variant Server 0.00492; gnomAD 0.00547 and 0.00561; gnomAD exomes 0.00593 and 0.00609; ExAC 0.00603.
gnomAD v4.1: 9,496 of 1,614,184 alleles (0.59%); highest among the groups gnomAD compares: Non-Finnish European, 0.63%; 42 homozygotes.

Submissions (17):

CeGaT Center for Human Genetics Tuebingen
Classification: Likely benign. Last evaluated: 2026-09-01. Review status: criteria provided, single submitter. Criteria: CeGaT Center For Human Genetics Tuebingen Variant Classification Criteria Version 2. Collection method: clinical testing. Allele origin: germline. Affected: yes. Observed: 9 variant alleles.
Comment: EVC: BP4, BS2

Women's Health and Genetics/Laboratory Corporation of America, LabCorp
Classification: Likely benign. Last evaluated: 2026-06-03. Review status: criteria provided, single submitter. Criteria: LabCorp Variant Classification Summary - May 2015. Collection method: clinical testing. Allele origin: germline.
Comment: Variant summary: EVC c.284A>G (p.Asp95Gly) results in a non-conservative amino acid change in the encoded protein sequence. Algorithms developed to predict the effect of missense changes on protein structure and function are either unavailable or do not agree on the potential impact of this missense change. The variant allele was found at a frequency of 0.0061 in 251320 control chromosomes in the gnomAD database, including 8 homozygotes. The observed variant frequency exceeds the estimated maximal expected allele frequency for disease-causing variants in EVC. To our knowledge, no occurrence of c.284A>G in individuals affected with EVC-related conditions and no experimental evidence demonstrating its impact on protein function have been reported. ClinVar contains an entry for this variant (Variation ID: 195425). Based on the evidence outlined above, the variant was classified as likely benign.

Labcorp Genetics (formerly Invitae), Labcorp
Classification: Benign for Curry-Hall syndrome; Ellis-van Creveld syndrome. Last evaluated: 2026-01-26. Review status: criteria provided, single submitter. Criteria: Invitae Variant Classification Sherloc (09022015). Collection method: clinical testing. Allele origin: germline.

Blueprint Genetics
Classification: Likely benign. Last evaluated: 2024-11-26. Review status: criteria provided, single submitter. Criteria: ACMG Guidelines, 2015. Collection method: clinical testing. Allele origin: germline.

ARUP Laboratories, Molecular Genetics and Genomics, ARUP Laboratories
Classification: Benign. Last evaluated: 2024-03-28. Review status: criteria provided, single submitter. Criteria: ARUP Molecular Germline Variant Investigation Process 2024. Collection method: clinical testing. Allele origin: germline.

Genome-Nilou Lab
Classification: Likely benign for Ellis-van Creveld syndrome. Last evaluated: 2021-05-18. Review status: criteria provided, single submitter. Criteria: ACMG Guidelines, 2015. Collection method: clinical testing. Allele origin: germline. Affected: no.

Genetic Services Laboratory, University of Chicago
Classification: Benign. Last evaluated: 2018-02-28. Review status: criteria provided, single submitter. Criteria: ACMG Guidelines, 2015. Collection method: clinical testing. Allele origin: germline. Affected: no.

GeneDx
Classification: Benign. Last evaluated: 2018-01-14. Review status: criteria provided, single submitter. Criteria: GeneDx Variant Classification (06012015). Collection method: clinical testing. Allele origin: germline. Affected: yes.
Comment: This variant is considered likely benign or benign based on one or more of the following criteria: it is a conservative change, it occurs at a poorly conserved position in the protein, it is predicted to be benign by multiple in silico algorithms, and/or has population frequency not consistent with disease.

Illumina Laboratory Services, Illumina
Classification: Likely benign for Ellis-van Creveld syndrome. Last evaluated: 2018-01-13. Review status: criteria provided, single submitter. Criteria: ICSL Variant Classification Criteria 13 December 2019. Collection method: clinical testing. Allele origin: germline.
Comment: This variant was observed in the ICSL laboratory as part of a predisposition screen in an ostensibly healthy population. It had not been previously curated by ICSL or reported in the Human Gene Mutation Database (HGMD: prior to June 1st, 2018), and was therefore a candidate for classification through an automated scoring system. Utilizing variant allele frequency, disease prevalence and penetrance estimates, and inheritance mode, an automated score was calculated to assess if this variant is too frequent to cause the disease. Based on the score and internal cut-off values, a variant classified as likely benign is not then subjected to further curation. The score for this variant resulted in a classification of likely benign for this disease.

Center for Pediatric Genomic Medicine, Children's Mercy Hospital and Clinics
Classification: Likely benign. Last evaluated: 2017-02-13. Review status: criteria provided, single submitter. Criteria: ACMG Guidelines, 2015. Collection method: clinical testing. Allele origin: germline.
ClinVar note: Converted during submission from Likely Benign to Likely benign.

Eurofins Ntd Llc (ga)
Classification: Benign. Last evaluated: 2015-02-14. Review status: criteria provided, single submitter. Criteria: EGL Classification Definitions 2015. Collection method: clinical testing. Allele origin: germline. Observed: 1 variant allele, 1 heterozygote.

PreventionGenetics, part of Exact Sciences
Classification: Likely benign. Review status: criteria provided, single submitter. Criteria: ACMG Guidelines, 2015. Collection method: clinical testing. Allele origin: germline.

Natera, Inc.
Classification: Likely benign for Ellis-van Creveld syndrome. Last evaluated: 2019-12-04. Review status: no assertion criteria provided. Collection method: clinical testing. Allele origin: germline. Not counted in ClinVar's aggregate classification.

Sydney Genome Diagnostics, Children's Hospital Westmead
Classification: Uncertain significance for Nephronophthisis. Last evaluated: 2018-10-25. Review status: no assertion criteria provided. Collection method: clinical testing. Allele origin: unknown. Affected: yes. Observed: 1 variant allele, 1 heterozygote. Not counted in ClinVar's aggregate classification.
Comment: To our knowledge, this variant has not been previously reported in the literature. However, this variant has been reported in dbSNP (rs4126957) with a minor allele frequency (MAF) of 0.0067 in the European American population (n=8600). In silico analysis (Alamut Visual v2.4) is inconclusive regarding this variant, Align GVGD, MutationTaster and KD4v predicts it to be benign whereas PolyPhen2 and SIFT predicts it to be pathogenic. Alamut v2.4 also predicts this variant does not affect splicing.

Clinical Genetics DNA and cytogenetics Diagnostics Lab, Erasmus MC, Erasmus Medical Center
Classification: Likely benign. Review status: no assertion criteria provided. Collection method: clinical testing. Allele origin: germline. Affected: yes. Study: VKGL Data-share Consensus. Not counted in ClinVar's aggregate classification.

Genome Diagnostics Laboratory, University Medical Center Utrecht
Classification: Benign. Review status: no assertion criteria provided. Collection method: clinical testing. Allele origin: germline. Affected: yes. Study: VKGL Data-share Consensus. Not counted in ClinVar's aggregate classification.

Laboratory of Diagnostic Genome Analysis, Leiden University Medical Center (LUMC)
Classification: Benign. Review status: no assertion criteria provided. Collection method: clinical testing. Allele origin: germline. Affected: yes. Study: VKGL Data-share Consensus. Not counted in ClinVar's aggregate classification.

NM_153717.3(EVC):c.284A>G (p.Asp95Gly)

Gene: EVC (EvC ciliary complex subunit 1; plus strand). Cytogenetic location: 4p16.2.
Variant type: single nucleotide variant.
Coding change: c.284A>G on transcript NM_153717.3 (MANE Select); coding-DNA position 284, A replaced by G.
Protein change: p.Asp95Gly; replaces aspartic acid 95 with glycine.
Molecular consequence: missense variant.
Genome position (GRCh38, 1-based): chr4:5,719,357, A>G. VCF-style: chr4-5719357-A-G. GRCh37 (hg19) VCF-style: chr4-5721084-A-G.
Other names: c.284A>G, p.Asp95Gly (NM_001306090.2, NM_001306092.2); short protein forms D95G.
Identifiers: ClinVar variation 195425 (VCV000195425.91), dbSNP rs41269547, ClinGen allele CA201734.